The following is an entry in ClinVar:

NM_015599.3(PGM3):c.520C>T (p.Arg174Ter)

Gene: PGM3 (phosphoglucomutase 3; minus strand). Cytogenetic location: 6q14.1.
Variant type: single nucleotide variant.
Coding change: c.520C>T on transcript NM_015599.3 (MANE Select); coding-DNA position 520, C replaced by T.
Protein change: p.Arg174Ter; replaces arginine 174 with a stop codon.
Molecular consequence: nonsense. On other transcripts: non-coding transcript variant (1).
Genome position (GRCh38, 1-based): chr6:83,182,916, G>A on the plus strand (C>T on the coding strand, the complement: PGM3 is on the minus strand). VCF-style: chr6-83182916-G-A. GRCh37 (hg19) VCF-style: chr6-83892635-G-A.
Other names: c.604C>T, p.Arg202Ter (NM_001199917.2, NM_001367287.1); c.277C>T, p.Arg93Ter (NM_001199918.2); c.520C>T, p.Arg174Ter (NM_001199919.2, NM_001367286.1); short protein forms R202*, R174*, R93*.
Identifiers: ClinVar variation 541844 (VCV000541844.3), dbSNP rs762678772, ClinGen allele CA3906732.

ClinVar aggregate classification (germline): Pathogenic (1 of 4 stars; one submission).

Conditions:
Immunodeficiency 23 (IMD23). Also called: IMMUNODEFICIENCY WITH HYPER IgE AND COGNITIVE IMPAIRMENT; IMMUNODEFICIENCY-VASCULITIS-MYOCLONUS SYNDROME. Identifiers: Orphanet 443811, MedGen C4014371, MONDO:0014353, OMIM 615816.

Allele frequency attached by ClinVar (database versions not stated): gnomAD exomes below 0.00001 and 0.00001; gnomAD 0.00001; ExAC 0.00002.
gnomAD v4.1: 5 of 1,613,706 alleles (0.00031%); highest among the groups gnomAD compares: South Asian, 0.0022%; no homozygotes.

Submission:

Labcorp Genetics (formerly Invitae), Labcorp
Classification: Pathogenic for Immunodeficiency 23. Last evaluated: 2025-11-18. Review status: criteria provided, single submitter. Criteria: Invitae Variant Classification Sherloc (09022015). Collection method: clinical testing. Allele origin: germline.
Comment: This sequence change creates a premature translational stop signal (p.Arg202*) in the PGM3 gene. It is expected to result in an absent or disrupted protein product. Loss-of-function variants in PGM3 are known to be pathogenic (PMID: 17548465, 24589341, 24931394). This variant is present in population databases (rs762678772, gnomAD 0.005%). This variant has not been reported in the literature in individuals affected with PGM3-related conditions. ClinVar contains an entry for this variant (Variation ID: 541844). For these reasons, this variant has been classified as Pathogenic.

Literature cited by the submitters: PubMed 17548465; PubMed 24589341; PubMed 24931394.